The following is an entry in ClinVar:

ClinVar aggregate classification (germline): Pathogenic (1 of 4 stars; one submission).

Conditions:
Dilated cardiomyopathy 1O (CMD1O). Also called: CARDIOMYOPATHY, DILATED, WITH VENTRICULAR TACHYCARDIA. Identifiers: Orphanet 154, MedGen C1837839, MONDO:0012062, OMIM 608569.

Submission:

Labcorp Genetics (formerly Invitae), Labcorp
Classification: Pathogenic for Dilated cardiomyopathy 1O. Last evaluated: 2024-10-01. Review status: criteria provided, single submitter. Criteria: Invitae Variant Classification Sherloc (09022015). Collection method: clinical testing. Allele origin: germline.
Comment: This sequence change creates a premature translational stop signal (p.Lys345Profs*14) in the ABCC9 gene. It is expected to result in an absent or disrupted protein product. Loss-of-function variants in ABCC9 are known to be pathogenic (PMID: 31575858, 38217872). This variant is not present in population databases (gnomAD no frequency). This variant has not been reported in the literature in individuals affected with ABCC9-related conditions. ClinVar contains an entry for this variant (Variation ID: 1395006). For these reasons, this variant has been classified as Pathogenic.

Literature cited by the submitters: PubMed 31575858; PubMed 38217872.

NM_020297.4(ABCC9):c.1022_1032dup (p.Lys345fs)

Gene: ABCC9 (ATP binding cassette subfamily C member 9; minus strand). Cytogenetic location: 12p12.1.
Variant type: Duplication.
Coding change: c.1022_1032dup on transcript NM_020297.4 (MANE Select); coding-DNA positions 1022 to 1032, 11 bases duplicated (CCCTCTCATCA).
Protein change: p.Lys345fs; shifts the reading frame from lysine 345.
Molecular consequence: frameshift variant.
Genome position (GRCh38, 1-based): chr12:21,910,958-21,910,968, TGATGAGAGGG duplicated on the plus strand (CCCTCTCATCA on the coding strand, the reverse complement: ABCC9 is on the minus strand); duplicating any 11 consecutive bases within chr12:21,910,958-21,910,969 gives the same sequence; the c. name uses the placement nearest the transcript's 3' end. VCF-style (leftmost placement, unchanged base first): chr12-21910957-T-TTGATGAGAGGG. GRCh37 (hg19) VCF-style: chr12-22063891-T-TTGATGAGAGGG.
Other names: c.1022_1032dup, p.Lys345fs (NM_001377273.1, NM_005691.4); c.158_168dup, p.Lys57fs (NM_001377274.1); short protein forms K57fs, K345fs.
Identifiers: ClinVar variation 1395006 (VCV001395006.6), dbSNP rs2137876114, ClinGen allele CA2573148468.
Genomic context (GRCh38, chr12:21,910,957, plus strand): 5'-GCAGAATAAGAGCCAAGAAGAGAAGAACTGCTAGAACGTAAGCGTTTTCAAGAAATTCCT[T>TTGATGAGAGGG]TGATGAGAGGGTTTCTGAAATCTGGTCCCCAAAGAAAAAAAGTGTCATATTAAAACTCGT-3'